The following is an entry in ClinVar:

NM_000384.3(APOB):c.12606C>A (p.Phe4202Leu)

Gene: APOB (apolipoprotein B; minus strand). Cytogenetic location: 2p24.1.
Variant type: single nucleotide variant.
Coding change: c.12606C>A on transcript NM_000384.3 (MANE Select); coding-DNA position 12606, C replaced by A.
Protein change: p.Phe4202Leu; replaces phenylalanine 4202 with leucine.
Molecular consequence: missense variant.
Genome position (GRCh38, 1-based): chr2:21,002,816, G>T on the plus strand (C>A on the coding strand, the complement: APOB is on the minus strand). VCF-style: chr2-21002816-G-T. GRCh37 (hg19) VCF-style: chr2-21225688-G-T.
Other names: short protein forms F4202L.
Identifiers: ClinVar variation 3885804 (VCV003885804.2).

ClinVar aggregate classification (germline): Uncertain significance (1 of 4 stars; one submission).

Conditions:
Cardiovascular phenotype. Identifiers: MedGen CN230736.

Submission:

Ambry Genetics
Classification: Uncertain significance for Cardiovascular phenotype. Last evaluated: 2026-09-11. Review status: criteria provided, single submitter. Criteria: Ambry Variant Classification Scheme 2023. Collection method: clinical testing. Allele origin: germline.
Comment: The p.F4202L variant (also known as c.12606C>A), located in coding exon 29 of the APOB gene, results from a C to A substitution at nucleotide position 12606. The phenylalanine at codon 4202 is replaced by leucine, an amino acid with highly similar properties. This amino acid position is conserved. In addition, this alteration is predicted to be tolerated by in silico analysis. Based on the available evidence, the clinical significance of this variant remains unclear.